The following is an entry in ClinVar:

ClinVar aggregate classification (germline): Conflicting classifications of pathogenicity. Review status: criteria provided, conflicting classifications (1 of 4 stars). 3 submissions from 3 submitters: Uncertain significance (2); Likely benign (1). Last evaluated 2025-04-09.

Allele frequency attached by ClinVar (database versions not stated): gnomAD exomes below 0.00001; TOPMed 0.00001.
gnomAD v4.1: 6 of 1,611,556 alleles (0.00037%); highest among the groups gnomAD compares: Non-Finnish European, 0.00051%; no homozygotes.

Submissions (3):

Molecular Diagnostic Laboratory for Inherited Cardiovascular Disease, Montreal Heart Institute
Classification: Likely benign. Last evaluated: 2025-04-09. Review status: criteria provided, single submitter. Criteria: ACMG Guidelines, 2015. Collection method: clinical testing. Allele origin: germline. Affected: no.
Comment: BP1

Revvity Omics, Revvity
Classification: Uncertain significance. Last evaluated: 2022-05-16. Review status: criteria provided, single submitter. Criteria: ACMG Guidelines, 2015. Collection method: clinical testing. Allele origin: germline.

GeneDx
Classification: Uncertain significance. Last evaluated: 2013-12-16. Review status: criteria provided, single submitter. Criteria: GeneDx Variant Classification (06012015). Collection method: clinical testing. Allele origin: germline. Affected: yes.
Comment: Missense variants in the TTN gene are considered 'unclassified' if they are not previously reported in the literature and do not have >1% frequency in the population to be considered a polymorphism. Research indicates that truncating mutations in the TTN gene are expected to account for approximately 25% of familial and 18% of sporadic idiopathic DCM; however, truncating variants in the TTN gene have been reported in approximately 3% of reported control alleles. There has been little investigation into non-truncating variants. (Herman D et al. Truncations of titin causing dilated cardiomyopathy. N Eng J Med 366:619-628, 2012) The variant is found in DCM-CRDM panel(s).

NM_001267550.2(TTN):c.91808A>G (p.Asn30603Ser)

Genes: TTN (titin; minus strand), TTN-AS1 (TTN antisense RNA 1; plus strand). Cytogenetic location: 2q31.2.
Variant type: single nucleotide variant.
Coding change: c.91808A>G on transcript NM_001267550.2 (MANE Select); coding-DNA position 91808, A replaced by G.
Protein change: p.Asn30603Ser; replaces asparagine 30603 with serine.
Molecular consequence: missense variant.
Genome position (GRCh38, 1-based): chr2:178,550,030, T>C on the plus strand (A>G on the coding strand, the complement: TTN is on the minus strand). VCF-style: chr2-178550030-T-C. GRCh37 (hg19) VCF-style: chr2-179414757-T-C.
Other names: p.N28962S:AAT>AGT; c.86885A>G, p.Asn28962Ser (NM_001256850.1); c.64613A>G, p.Asn21538Ser (NM_003319.4); c.84104A>G, p.Asn28035Ser (NM_133378.4); c.64988A>G, p.Asn21663Ser (NM_133432.3); c.65189A>G, p.Asn21730Ser (NM_133437.4); short protein forms N28962S, N30603S, N21730S, N28035S, N21538S, N21663S.
Identifiers: ClinVar variation 202986 (VCV000202986.6), dbSNP rs794729533, ClinGen allele CA310896.
Genomic context (GRCh38, chr2:178,550,030, plus strand): 5'-GCTATTTTAAAAGTACCTTGTACTTTCACTTTAATTTCTGCTTTTGCAGAACCAGATGCA[T>C]TTTTGGCTTCCACTGTGTATACACCACGATGGTCCCGAGTAGCATCTCTAACAAATAGGC-3'
Protein context (NP_001254479.2, residues 30593-30613): HRGVYTVEAK[Asn30603Ser]ASGSAKAEIK